The following is an entry in ClinVar:

NM_000540.3(RYR1):c.7615-1G>T

Gene: RYR1 (ryanodine receptor 1; plus strand). Cytogenetic location: 19q13.2.
Variant type: single nucleotide variant.
Coding change: c.7615-1G>T on transcript NM_000540.3 (MANE Select); the canonical splice acceptor site of the intron before coding-DNA position 7615, G replaced by T.
Molecular consequence: splice acceptor variant.
Genome position (GRCh38, 1-based): chr19:38,502,506, G>T. VCF-style: chr19-38502506-G-T. GRCh37 (hg19) VCF-style: chr19-38993146-G-T.
Other names: c.7615-1G>T (NM_001042723.2).
Identifiers: ClinVar variation 659749 (VCV000659749.7), dbSNP rs1317181118, ClinGen allele CA405671278.

ClinVar aggregate classification (germline): Likely pathogenic (1 of 4 stars; one submission).

Conditions:
RYR1-related disorder. Also called: RYR1-related disorders; RYR1-related condition. Identifiers: MedGen CN239331.

Submission:

Labcorp Genetics (formerly Invitae), Labcorp
Classification: Likely pathogenic for RYR1-related disorder. Last evaluated: 2022-07-19. Review status: criteria provided, single submitter. Criteria: Invitae Variant Classification Sherloc (09022015). Collection method: clinical testing. Allele origin: germline.
Comment: In summary, the currently available evidence indicates that the variant is pathogenic, but additional data are needed to prove that conclusively. Therefore, this variant has been classified as Likely Pathogenic. Algorithms developed to predict the effect of sequence changes on RNA splicing suggest that this variant may disrupt the consensus splice site. ClinVar contains an entry for this variant (Variation ID: 659749). This variant has not been reported in the literature in individuals affected with RYR1-related conditions. This variant is not present in population databases (gnomAD no frequency). This sequence change affects an acceptor splice site in intron 47 of the RYR1 gene. It is expected to disrupt RNA splicing. Variants that disrupt the donor or acceptor splice site typically lead to a loss of protein function (PMID: 16199547), and loss-of-function variants in RYR1 are known to be pathogenic (PMID: 20583297, 20839240, 23919265, 28818389).

Literature cited by the submitters: PubMed 16199547; PubMed 20583297; PubMed 20839240; PubMed 23919265; PubMed 28818389.